The following is an entry in ClinVar:

NM_017654.4(SAMD9):c.2733C>A (p.Phe911Leu)

Gene: SAMD9 (sterile alpha motif domain containing 9; minus strand). Cytogenetic location: 7q21.2.
Variant type: single nucleotide variant.
Coding change: c.2733C>A on transcript NM_017654.4 (MANE Select); coding-DNA position 2733, C replaced by A.
Protein change: p.Phe911Leu; replaces phenylalanine 911 with leucine.
Molecular consequence: missense variant.
Genome position (GRCh38, 1-based): chr7:93,103,365, G>T on the plus strand (C>A on the coding strand, the complement: SAMD9 is on the minus strand). VCF-style: chr7-93103365-G-T. GRCh37 (hg19) VCF-style: chr7-92732678-G-T.
Other names: c.2733C>A, p.Phe911Leu (NM_001193307.2); short protein forms F911L.
Identifiers: ClinVar variation 3949464 (VCV003949464.1).

ClinVar aggregate classification (germline): Uncertain significance (1 of 4 stars; one submission).

Conditions:
Inborn genetic diseases. Identifiers: MedGen C0950123, MeSH D030342.

Submission:

Ambry Genetics
Classification: Uncertain significance for Inborn genetic diseases. Last evaluated: 2025-03-22. Review status: criteria provided, single submitter. Criteria: Ambry Variant Classification Scheme 2023. Collection method: clinical testing. Allele origin: germline.
Comment: The p.F911L variant (also known as c.2733C>A), located in coding exon 1 of the SAMD9 gene, results from a C to A substitution at nucleotide position 2733. The phenylalanine at codon 911 is replaced by leucine, an amino acid with highly similar properties. This amino acid position is conserved. In addition, this alteration is predicted to be tolerated by in silico analysis. Based on the available evidence, the clinical significance of this variant remains unclear.